The following is an entry in ClinVar:

ClinVar aggregate classification (germline): Uncertain significance (1 of 4 stars; one submission).

Conditions:
Hereditary spastic paraplegia 49 (HSAN9). Also called: TECPR2-Related Hereditary Sensory and Autonomic Neuropathy with Intellectual Disability; NEUROPATHY, HEREDITARY SENSORY AND AUTONOMIC, TYPE IX, WITH DEVELOPMENTAL DELAY; Spastic paraplegia 49, autosomal recessive. Identifiers: Orphanet 320385, MedGen C5190860, MONDO:0014016, OMIM 615031.

Allele frequency attached by ClinVar (database versions not stated): gnomAD exomes 0.00002; ESP Exome Variant Server 0.00008; gnomAD 0.00001; TOPMed 0.00001; ExAC 0.00002.
gnomAD v4.1: 24 of 1,613,746 alleles (0.0015%); highest among the groups gnomAD compares: East Asian, 0.0045%; no homozygotes.

Submission:

Labcorp Genetics (formerly Invitae), Labcorp
Classification: Uncertain significance for Hereditary spastic paraplegia 49. Last evaluated: 2022-01-23. Review status: criteria provided, single submitter. Criteria: Invitae Variant Classification Sherloc (09022015). Collection method: clinical testing. Allele origin: germline.
Comment: This sequence change replaces alanine, which is neutral and non-polar, with valine, which is neutral and non-polar, at codon 836 of the TECPR2 protein (p.Ala836Val). This variant is present in population databases (rs373163345, gnomAD 0.004%). This variant has not been reported in the literature in individuals affected with TECPR2-related conditions. Algorithms developed to predict the effect of missense changes on protein structure and function (SIFT, PolyPhen-2, Align-GVGD) all suggest that this variant is likely to be tolerated. In summary, the available evidence is currently insufficient to determine the role of this variant in disease. Therefore, it has been classified as a Variant of Uncertain Significance.

NM_014844.5(TECPR2):c.2507C>T (p.Ala836Val)

Genes: TECPR2 (tectonin beta-propeller repeat containing 2; plus strand), LOC130056519 (ATAC-STARR-seq lymphoblastoid silent region 6116; plus strand). Cytogenetic location: 14q32.31.
Variant type: single nucleotide variant.
Coding change: c.2507C>T on transcript NM_014844.5 (MANE Select); coding-DNA position 2507, C replaced by T.
Protein change: p.Ala836Val; replaces alanine 836 with valine.
Molecular consequence: missense variant.
Genome position (GRCh38, 1-based): chr14:102,438,134, C>T. VCF-style: chr14-102438134-C-T. GRCh37 (hg19) VCF-style: chr14-102904471-C-T.
Other names: c.2507C>T, p.Ala836Val (NM_001172631.3); short protein forms A836V.
Identifiers: ClinVar variation 1907737 (VCV001907737.2), dbSNP rs373163345, ClinGen allele CA7357943.